The following is an entry in ClinVar:

NM_002334.4(LRP4):c.5626G>A (p.Val1876Ile)

Genes: LRP4 (LDL receptor related protein 4; minus strand), LRP4-AS1 (LRP4 antisense RNA 1; plus strand). Cytogenetic location: 11p11.2.
Variant type: single nucleotide variant.
Coding change: c.5626G>A on transcript NM_002334.4 (MANE Select); coding-DNA position 5626, G replaced by A.
Protein change: p.Val1876Ile; replaces valine 1876 with isoleucine.
Molecular consequence: missense variant.
Genome position (GRCh38, 1-based): chr11:46,859,075, C>T on the plus strand (G>A on the coding strand, the complement: LRP4 is on the minus strand). VCF-style: chr11-46859075-C-T. GRCh37 (hg19) VCF-style: chr11-46880626-C-T.
Other names: short protein forms V1876I.
Identifiers: ClinVar variation 839461 (VCV000839461.8), dbSNP rs761403316, ClinGen allele CA5968977.

ClinVar aggregate classification (germline): Uncertain significance. Review status: criteria provided, multiple submitters, no conflicts (2 of 4 stars). 2 submissions from 2 submitters: Uncertain significance (2). Last evaluated 2023-12-26.

Conditions:
Congenital myasthenic syndrome 17. Identifiers: Orphanet 590, MedGen C4225377, MONDO:0014578, OMIM 616304.
Cenani-Lenz syndactyly syndrome. Also called: SYNDACTYLY, TYPE VII; CENANI SYNDACTYLISM. Identifiers: Orphanet 3258, MedGen C1859309, MONDO:0008931, OMIM 212780.
Sclerosteosis 2 (SOST2). Identifiers: Orphanet 3152, MedGen C3280402, MONDO:0013679, OMIM 614305.

Allele frequency attached by ClinVar (database versions not stated): ExAC 0.00001; gnomAD exomes 0.00003; TOPMed 0.00005; gnomAD 0.00006.
gnomAD v4.1: 57 of 1,613,996 alleles (0.0035%); highest among the groups gnomAD compares: African/African-American, 0.015%; no homozygotes.

Submissions (2):

Fulgent Genetics
Classification: Uncertain significance for Cenani-Lenz syndactyly syndrome; Sclerosteosis 2; Congenital myasthenic syndrome 17. Last evaluated: 2023-12-26. Review status: criteria provided, single submitter. Criteria: ACMG Guidelines, 2015. Collection method: clinical testing. Allele origin: germline.

Labcorp Genetics (formerly Invitae), Labcorp
Classification: Uncertain significance for Cenani-Lenz syndactyly syndrome; Sclerosteosis 2; Congenital myasthenic syndrome 17. Last evaluated: 2022-05-08. Review status: criteria provided, single submitter. Criteria: Invitae Variant Classification Sherloc (09022015). Collection method: clinical testing. Allele origin: germline.
Comment: This sequence change replaces valine, which is neutral and non-polar, with isoleucine, which is neutral and non-polar, at codon 1876 of the LRP4 protein (p.Val1876Ile). This variant is present in population databases (rs761403316, gnomAD 0.02%). This variant has not been reported in the literature in individuals affected with LRP4-related conditions. ClinVar contains an entry for this variant (Variation ID: 839461). Algorithms developed to predict the effect of missense changes on protein structure and function (SIFT, PolyPhen-2, Align-GVGD) all suggest that this variant is likely to be tolerated. In summary, the available evidence is currently insufficient to determine the role of this variant in disease. Therefore, it has been classified as a Variant of Uncertain Significance.